The following is an entry in ClinVar:

ClinVar aggregate classification (germline): Pathogenic/Likely pathogenic. Review status: criteria provided, multiple submitters, no conflicts (2 of 4 stars). 6 submissions from 6 submitters: Pathogenic (5); Likely pathogenic (1). Last evaluated 2026-01-28.

Conditions:
Hereditary cancer-predisposing syndrome. Also called: Hereditary neoplastic syndrome; Neoplastic Syndromes, Hereditary; Tumor predisposition; Hereditary Cancer Syndrome. Identifiers: Orphanet 140162, MedGen C0027672, MeSH D009386, MONDO:0015356.
Familial cancer of breast. Also called: Hereditary breast cancer; hereditary breast carcinoma; BREAST CANCER, FAMILIAL. Identifiers: Orphanet 227535, MedGen C0346153, MONDO:0016419, OMIM 114480. Disease mechanism: loss of function.
Fanconi anemia complementation group J. Also called: BRIP1-Related Fanconi Anemia. Identifiers: Orphanet 84, MedGen C1836860, MONDO:0012187, OMIM 609054.

Submissions (6):

Labcorp Genetics (formerly Invitae), Labcorp
Classification: Pathogenic for Familial cancer of breast; Fanconi anemia complementation group J. Last evaluated: 2026-01-28. Review status: criteria provided, single submitter. Criteria: Invitae Variant Classification Sherloc (09022015). Collection method: clinical testing. Allele origin: germline.
Comment: This sequence change creates a premature translational stop signal (p.Ser24Valfs*45) in the BRIP1 gene. It is expected to result in an absent or disrupted protein product. Loss-of-function variants in BRIP1 are known to be pathogenic (PMID: 16116423, 17033622, 21964575). This variant is present in population databases (no rsID available, gnomAD 0.007%). This premature translational stop signal has been observed in individual(s) with prostate cancer (PMID: 29356034). ClinVar contains an entry for this variant (Variation ID: 407789). For these reasons, this variant has been classified as Pathogenic.

Quest Diagnostics Nichols Institute San Juan Capistrano
Classification: Pathogenic. Last evaluated: 2024-02-15. Review status: criteria provided, single submitter. Criteria: Quest Diagnostics criteria. Collection method: clinical testing. Allele origin: unknown.
Comment: The BRIP1 c.68dup (p.Ser24Valfs*45) variant alters the translational reading frame of the BRIP1 mRNA and causes the premature termination of BRIP1 protein synthesis. This variant has been reported in the published literature in in individuals with prostate cancer (PMID: 29356034 (2018)) and breast cancer and lung cancer (PMID: 37461096 (2023)). The frequency of this variant in the general population, 0.000062 (1/16248 chromosomes (Genome Aggregation Database)), is consistent with pathogenicity. Based on the available information, this variant is classified as pathogenic.

Myriad Genetics, Inc.
Classification: Pathogenic for Familial cancer of breast. Last evaluated: 2023-05-30. Review status: criteria provided, single submitter. Criteria: Myriad Autosomal Dominant, Autosomal Recessive and X-Linked Classification Criteria (2023). Collection method: clinical testing. Allele origin: unknown.
Comment: This variant is considered pathogenic. This variant creates a frameshift predicted to result in premature protein truncation.

Ambry Genetics
Classification: Pathogenic for Hereditary cancer-predisposing syndrome. Last evaluated: 2023-02-07. Review status: criteria provided, single submitter. Criteria: Ambry Variant Classification Scheme 2023. Collection method: clinical testing. Allele origin: germline.
Comment: The c.68dupC pathogenic mutation, located in coding exon 1 of the BRIP1 gene, results from a duplication of C at nucleotide position 68, causing a translational frameshift with a predicted alternate stop codon (p.S24Vfs*45). This alteration is expected to result in loss of function by premature protein truncation or nonsense-mediated mRNA decay. This variant is considered to be rare based on population cohorts in the Genome Aggregation Database (gnomAD). As such, this alteration is interpreted as a disease-causing mutation.

Baylor Genetics
Classification: Likely pathogenic for Familial cancer of breast. Last evaluated: 2022-12-05. Review status: criteria provided, single submitter. Criteria: ACMG Guidelines, 2015. Collection method: clinical testing. Allele origin: unknown.

Color Diagnostics, LLC DBA Color Health
Classification: Pathogenic for Hereditary cancer-predisposing syndrome. Last evaluated: 2017-10-30. Review status: criteria provided, single submitter. Criteria: ACMG Guidelines, 2015. Collection method: clinical testing. Allele origin: germline.

Literature cited by the submitters: PubMed 16116423 (cited by Labcorp Genetics (formerly Invitae), Labcorp); PubMed 17033622 (cited by Labcorp Genetics (formerly Invitae), Labcorp); PubMed 21964575 (cited by Labcorp Genetics (formerly Invitae), Labcorp); PubMed 29356034 (cited by Labcorp Genetics (formerly Invitae), Labcorp and Quest Diagnostics Nichols Institute San Juan Capistrano); PubMed 29922827 (cited by Quest Diagnostics Nichols Institute San Juan Capistrano); PubMed 37461096 (cited by Quest Diagnostics Nichols Institute San Juan Capistrano).

NM_032043.3(BRIP1):c.68dup (p.Ser24fs)

Gene: BRIP1 (BRCA1 interacting DNA helicase 1; minus strand). Cytogenetic location: 17q23.2.
Variant type: Duplication.
Coding change: c.68dup on transcript NM_032043.3 (MANE Select); coding-DNA position 68, one base duplicated (C; older notation c.68dupC).
Protein change: p.Ser24fs; shifts the reading frame from serine 24.
Molecular consequence: frameshift variant.
Genome position (GRCh38, 1-based): chr17:61,861,472, G duplicated on the plus strand (C on the coding strand, the reverse complement: BRIP1 is on the minus strand); the first of 3 consecutive G bases (chr17:61,861,472-61,861,474); duplicating any one gives the same sequence. VCF-style (leftmost placement, unchanged base first): chr17-61861471-C-CG. GRCh37 (hg19) VCF-style: chr17-59938832-C-CG.
Other names: c.68dupC (NM_032043.2); short protein forms S24fs.
Identifiers: ClinVar variation 407789 (VCV000407789.23), dbSNP rs1555618716, ClinGen allele CA16615549.